The following is an entry in ClinVar:

ClinVar aggregate classification (germline): Uncertain significance (1 of 4 stars; one submission).

Submission:

Labcorp Genetics (formerly Invitae), Labcorp
Classification: Uncertain significance. Last evaluated: 2023-02-01. Review status: criteria provided, single submitter. Criteria: Invitae Variant Classification Sherloc (09022015). Collection method: clinical testing. Allele origin: germline.
Comment: This sequence change replaces glycine, which is neutral and non-polar, with valine, which is neutral and non-polar, at codon 275 of the LOXL3 protein (p.Gly275Val). This variant is not present in population databases (gnomAD no frequency). This variant has not been reported in the literature in individuals affected with LOXL3-related conditions. Algorithms developed to predict the effect of missense changes on protein structure and function (SIFT, PolyPhen-2, Align-GVGD) all suggest that this variant is likely to be tolerated. In summary, the available evidence is currently insufficient to determine the role of this variant in disease. Therefore, it has been classified as a Variant of Uncertain Significance.

NM_032603.5(LOXL3):c.824G>T (p.Gly275Val)

Gene: LOXL3 (lysyl oxidase like 3; minus strand). Cytogenetic location: 2p13.1.
Variant type: single nucleotide variant.
Coding change: c.824G>T on transcript NM_032603.5 (MANE Select); coding-DNA position 824, G replaced by T.
Protein change: p.Gly275Val; replaces glycine 275 with valine.
Molecular consequence: missense variant. On other transcripts: intron variant (2).
Genome position (GRCh38, 1-based): chr2:74,536,797, C>A on the plus strand (G>T on the coding strand, the complement: LOXL3 is on the minus strand). VCF-style: chr2-74536797-C-A. GRCh37 (hg19) VCF-style: chr2-74763924-C-A.
Other names: c.478-326G>T (NM_001289164.3); c.-171-326G>T (NM_001289165.2); short protein forms G275V.
Identifiers: ClinVar variation 2800733 (VCV002800733.3), dbSNP rs1223302011, ClinGen allele CA347391085.